The following is an entry in ClinVar:

ClinVar aggregate classification (germline): Uncertain significance (1 of 4 stars; one submission).

Conditions:
Cardiovascular phenotype. Identifiers: MedGen CN230736.

Submission:

Ambry Genetics
Classification: Uncertain significance for Cardiovascular phenotype. Last evaluated: 2025-07-09. Review status: criteria provided, single submitter. Criteria: Ambry Variant Classification Scheme 2023. Collection method: clinical testing. Allele origin: germline.
Comment: The p.T852S variant (also known as c.2555C>G), located in coding exon 16 of the CBL gene, results from a C to G substitution at nucleotide position 2555. The threonine at codon 852 is replaced by serine, an amino acid with similar properties. This amino acid position is conserved. In addition, this alteration is predicted to be tolerated by in silico analysis. Based on the available evidence, the clinical significance of this variant remains unclear.

NM_005188.4(CBL):c.2555C>G (p.Thr852Ser)

Gene: CBL (Cbl proto-oncogene; plus strand). Cytogenetic location: 11q23.3.
Variant type: single nucleotide variant.
Coding change: c.2555C>G on transcript NM_005188.4 (MANE Select); coding-DNA position 2555, C replaced by G.
Protein change: p.Thr852Ser; replaces threonine 852 with serine.
Molecular consequence: missense variant.
Genome position (GRCh38, 1-based): chr11:119,299,615, C>G. VCF-style: chr11-119299615-C-G. GRCh37 (hg19) VCF-style: chr11-119170325-C-G.
Other names: short protein forms T852S.
Identifiers: ClinVar variation 4219855 (VCV004219855.1).